The following is an entry in ClinVar:

ClinVar aggregate classification (germline): Uncertain significance (1 of 4 stars; one submission).

Conditions:
PGM3-related disorder. Also called: PGM3-related condition.

gnomAD v4.1: 1 of 1,612,890 alleles (0.000062%); highest among the groups gnomAD compares: Non-Finnish European, 0.000085%; no homozygotes.

Submission:

PreventionGenetics, part of Exact Sciences
Classification: Uncertain significance for PGM3-related condition. Last evaluated: 2025-12-11. Review status: criteria provided, single submitter. Criteria: ACMG Guidelines, 2015. Collection method: clinical testing. Allele origin: germline.
Comment: The PGM3 c.836C>G variant is predicted to result in the amino acid substitution p.Ala279Gly. To our knowledge, this variant has not been reported in the literature or in a large population database (gnomAD), indicating this variant is rare. At this time, the clinical significance of this variant is uncertain due to the absence of conclusive functional and genetic evidence.

NM_015599.3(PGM3):c.752C>G (p.Ala251Gly)

Gene: PGM3 (phosphoglucomutase 3; minus strand). Cytogenetic location: 6q14.1.
Variant type: single nucleotide variant.
Coding change: c.752C>G on transcript NM_015599.3 (MANE Select); coding-DNA position 752, C replaced by G.
Protein change: p.Ala251Gly; replaces alanine 251 with glycine.
Molecular consequence: missense variant. On other transcripts: non-coding transcript variant (1).
Genome position (GRCh38, 1-based): chr6:83,181,771, G>C on the plus strand (C>G on the coding strand, the complement: PGM3 is on the minus strand). VCF-style: chr6-83181771-G-C. GRCh37 (hg19) VCF-style: chr6-83891490-G-C.
Other names: c.836C>G, p.Ala279Gly (NM_001199917.2, NM_001367287.1); c.509C>G, p.Ala170Gly (NM_001199918.2); c.752C>G, p.Ala251Gly (NM_001199919.2, NM_001367286.1); short protein forms A170G, A251G, A279G.
Identifiers: ClinVar variation 4993330 (VCV004993330.1).
Genomic context (GRCh38, chr6:83,181,771, plus strand): 5'-TTTTTGCAGTGCTAGTACGACATACCCTGTGGAGGTTTCTGATGACTTTTCACAAAGTCA[G>C]CTCCACATAAATGATTGAGTTTGCCCTTGGACCCATCATTAAACAGCTGAACTGACAGGC-3'
Protein context (NP_056414.1, residues 241-261): SKGKLNHLCG[Ala251Gly]DFVKSHQKPP